The following is an entry in ClinVar:

ClinVar aggregate classification (germline): Likely benign (0 of 4 stars; one submission).

Conditions:
PLXNA3-related disorder. Also called: PLXNA3-related condition.

Allele frequency attached by ClinVar (database versions not stated): gnomAD exomes 0.00002; ExAC 0.00009; ESP Exome Variant Server 0.00009; TOPMed 0.00013; gnomAD 0.00015.

Submission:

PreventionGenetics, part of Exact Sciences
Classification: Likely benign for PLXNA3-related condition. Last evaluated: 2022-03-17. Review status: no assertion criteria provided. Collection method: clinical testing. Allele origin: germline.
Comment: This variant is classified as likely benign based on ACMG/AMP sequence variant interpretation guidelines (Richards et al. 2015 PMID: 25741868, with internal and published modifications).

NM_017514.5(PLXNA3):c.4687G>A (p.Ala1563Thr)

Gene: PLXNA3 (plexin A3; plus strand). Cytogenetic location: Xq28.
Variant type: single nucleotide variant.
Coding change: c.4687G>A on transcript NM_017514.5 (MANE Select); coding-DNA position 4687, G replaced by A.
Protein change: p.Ala1563Thr; replaces alanine 1563 with threonine.
Molecular consequence: missense variant.
Genome position (GRCh38, 1-based): chrX:154,469,471, G>A. VCF-style: chrX-154469471-G-A. GRCh37 (hg19) VCF-style: chrX-153697814-G-A.
Other names: short protein forms A1563T.
Identifiers: ClinVar variation 3030098 (VCV003030098.2), dbSNP rs150337074, ClinGen allele CA10564924.